The following is an entry in ClinVar:

NM_001267550.2(TTN):c.8184C>T (p.Val2728=)

Gene: TTN (titin; minus strand). Cytogenetic location: 2q31.2.
Variant type: single nucleotide variant.
Coding change: c.8184C>T on transcript NM_001267550.2 (MANE Select); coding-DNA position 8184, C replaced by T.
Protein change: p.Val2728=; no amino-acid change (valine 2728 retained).
Molecular consequence: synonymous variant.
Genome position (GRCh38, 1-based): chr2:178,770,608, G>A on the plus strand (C>T on the coding strand, the complement: TTN is on the minus strand). VCF-style: chr2-178770608-G-A. GRCh37 (hg19) VCF-style: chr2-179635335-G-A.
Other names: c.8046C>T, p.Val2682= (NM_003319.4, NM_133432.3, NM_133437.4); c.8184C>T, p.Val2728= (NM_133378.4, NM_133379.5, NM_001256850.1).
Identifiers: ClinVar variation 387567 (VCV000387567.21), dbSNP rs753356474, ClinGen allele CA2004632.

ClinVar aggregate classification (germline): Conflicting classifications of pathogenicity. Review status: criteria provided, conflicting classifications (1 of 4 stars). 5 submissions from 5 submitters: Uncertain significance (1); Likely benign (4). Last evaluated 2026-07-01.

Conditions:
Cardiovascular phenotype. Identifiers: MedGen CN230736.
Autosomal recessive limb-girdle muscular dystrophy type 2J (LGMDR10). Also called: Limb-girdle muscular dystrophy, type 2J; MUSCULAR DYSTROPHY, LIMB-GIRDLE, AUTOSOMAL RECESSIVE 10. Identifiers: Orphanet 140922, MedGen C1837342, MONDO:0012127, OMIM 608807.
Dilated cardiomyopathy 1G (CMD1G). Identifiers: Orphanet 154, MedGen C1858763, MONDO:0011400, OMIM 604145.

Allele frequency attached by ClinVar (database versions not stated): ExAC 0.00003; TOPMed 0.00007; gnomAD exomes 0.00008.
gnomAD v4.1: 57 of 1,613,982 alleles (0.0035%); highest among the groups gnomAD compares: Admixed American, 0.045%; no homozygotes.

Submissions (5):

CeGaT Center for Human Genetics Tuebingen
Classification: Likely benign. Last evaluated: 2026-07-01. Review status: criteria provided, single submitter. Criteria: CeGaT Center For Human Genetics Tuebingen Variant Classification Criteria Version 2. Collection method: clinical testing. Allele origin: germline. Affected: yes. Observed: 2 variant alleles.
Comment: TTN: BP4, BP7

Labcorp Genetics (formerly Invitae), Labcorp
Classification: Likely benign for Dilated cardiomyopathy 1G; Autosomal recessive limb-girdle muscular dystrophy type 2J. Last evaluated: 2026-02-01. Review status: criteria provided, single submitter. Criteria: Invitae Variant Classification Sherloc (09022015). Collection method: clinical testing. Allele origin: germline.

Ambry Genetics
Classification: Likely benign for Cardiovascular phenotype. Last evaluated: 2021-11-04. Review status: criteria provided, single submitter. Criteria: Ambry Variant Classification Scheme 2023. Collection method: clinical testing. Allele origin: germline.

GeneDx
Classification: Likely benign. Last evaluated: 2019-11-12. Review status: criteria provided, single submitter. Criteria: GeneDx Variant Classification Process June 2021. Collection method: clinical testing. Allele origin: germline. Affected: yes.

Eurofins Ntd Llc (ga)
Classification: Uncertain significance. Last evaluated: 2018-01-12. Review status: criteria provided, single submitter. Criteria: EGL Classification Definitions 2015. Collection method: clinical testing. Allele origin: germline. Observed: 1 variant allele, 1 heterozygote.